The following is an entry in ClinVar:

NM_003922.4(HERC1):c.11745C>T (p.Asp3915=)

Gene: HERC1 (HECT and RLD domain containing E3 ubiquitin protein ligase family member 1; minus strand). Cytogenetic location: 15q22.31.
Variant type: single nucleotide variant.
Coding change: c.11745C>T on transcript NM_003922.4 (MANE Select); coding-DNA position 11745, C replaced by T.
Protein change: p.Asp3915=; no amino-acid change (aspartic acid 3915 retained).
Molecular consequence: synonymous variant.
Genome position (GRCh38, 1-based): chr15:63,640,308, G>A on the plus strand (C>T on the coding strand, the complement: HERC1 is on the minus strand). VCF-style: chr15-63640308-G-A. GRCh37 (hg19) VCF-style: chr15-63932507-G-A.
Identifiers: ClinVar variation 2645429 (VCV002645429.24), dbSNP rs374783494, ClinGen allele CA7604160.

ClinVar aggregate classification (germline): Likely benign (1 of 4 stars; one submission).

Allele frequency attached by ClinVar (database versions not stated): gnomAD exomes 0.00003; ESP Exome Variant Server 0.00008; ExAC 0.00009; gnomAD 0.00026; TOPMed 0.00028; 1000 Genomes Project 30x 0.00031; 1000 Genomes Project 0.00040.
gnomAD v4.1: 90 of 1,613,904 alleles (0.0056%); highest among the groups gnomAD compares: African/African-American, 0.092%; no homozygotes.

Submission:

CeGaT Center for Human Genetics Tuebingen
Classification: Likely benign. Last evaluated: 2022-06-01. Review status: criteria provided, single submitter. Criteria: CeGaT Center For Human Genetics Tuebingen Variant Classification Criteria Version 2. Collection method: clinical testing. Allele origin: germline. Affected: yes. Observed: 1 variant allele.
Comment: HERC1: BP4, BP7